The following is an entry in ClinVar:

ClinVar aggregate classification (germline): Uncertain significance (1 of 4 stars; one submission).

Conditions:
Spastic paraplegia. Identifiers: MedGen C0037772, HP:0001258.

Submission:

Labcorp Genetics (formerly Invitae), Labcorp
Classification: Uncertain significance for Spastic paraplegia. Last evaluated: 2019-06-18. Review status: criteria provided, single submitter. Criteria: Invitae Variant Classification Sherloc (09022015). Collection method: clinical testing. Allele origin: germline.
Comment: This sequence change replaces glycine with serine at codon 19 of the SACS protein (p.Gly19Ser). The glycine residue is moderately conserved and there is a small physicochemical difference between glycine and serine. In summary, the available evidence is currently insufficient to determine the role of this variant in disease. Therefore, it has been classified as a Variant of Uncertain Significance. Algorithms developed to predict the effect of missense changes on protein structure and function are either unavailable or do not agree on the potential impact of this missense change (SIFT: "Deleterious"; PolyPhen-2: "Benign"; Align-GVGD: "Class C0"). This variant has not been reported in the literature in individuals with SACS-related conditions. The frequency data for this variant in the population databases is considered unreliable, as metrics indicate insufficient coverage at this position in the ExAC database.

NM_014363.6(SACS):c.55G>A (p.Gly19Ser)

Genes: SACS (sacsin molecular chaperone; minus strand), LOC130009366 (ATAC-STARR-seq lymphoblastoid silent region 5172; plus strand). Cytogenetic location: 13q12.12.
Variant type: single nucleotide variant.
Coding change: c.55G>A on transcript NM_014363.6 (MANE Select); coding-DNA position 55, G replaced by A.
Protein change: p.Gly19Ser; replaces glycine 19 with serine.
Molecular consequence: missense variant. On other transcripts: 5 prime UTR variant (1).
Genome position (GRCh38, 1-based): chr13:23,375,235, C>T on the plus strand (G>A on the coding strand, the complement: SACS is on the minus strand). VCF-style: chr13-23375235-C-T. GRCh37 (hg19) VCF-style: chr13-23949374-C-T.
Other names: c.-299G>A (NM_001278055.2); short protein forms G19S.
Identifiers: ClinVar variation 947863 (VCV000947863.10), dbSNP rs1871680324, ClinGen allele CA387554728.
Genomic context (GRCh38, chr13:23,375,235, plus strand): 5'-AGATACGTTCCTTCACATCGCGCACGGTCCAGGACGCCAGCGCCGCGACGGTCCTGCAGC[C>T]CACGCAGCCGGGGAGCACGGTCACCGGGACCCACCTGTGGAAAGCAGAGGGACGCTCAGT-3'
Protein context (NP_055178.3, residues 9-29): VPVTVLPGCV[Gly19Ser]CRTVAALASW